The following is an entry in ClinVar:

NM_001364905.1(LRBA):c.3414A>G (p.Ala1138=)

Gene: LRBA (LPS responsive beige-like anchor protein; minus strand). Cytogenetic location: 4q31.3.
Variant type: single nucleotide variant.
Coding change: c.3414A>G on transcript NM_001364905.1 (MANE Select); coding-DNA position 3414, A replaced by G.
Protein change: p.Ala1138=; no amino-acid change (alanine 1138 retained).
Molecular consequence: synonymous variant.
Genome position (GRCh38, 1-based): chr4:150,852,296, T>C on the plus strand (A>G on the coding strand, the complement: LRBA is on the minus strand). VCF-style: chr4-150852296-T-C. GRCh37 (hg19) VCF-style: chr4-151773448-T-C.
Other names: c.3414A>G, p.Ala1138= (NM_001199282.3, NM_001367550.1, NM_006726.5).
Identifiers: ClinVar variation 1102340 (VCV001102340.11), dbSNP rs570866344, ClinGen allele CA3103048.

ClinVar aggregate classification (germline): Likely benign. Review status: criteria provided, single submitter (1 of 4 stars). 2 submissions from 2 submitters: Likely benign (1). 1 of the submissions does not count toward it. Last evaluated 2025-10-10.

Conditions:
LRBA-related disorder. Also called: LRBA-related condition.
Combined immunodeficiency due to LRBA deficiency. Also called: Common variable immunodeficiency 8, with autoimmunity. Identifiers: Orphanet 445018, MedGen C3553512, MONDO:0013863, OMIM 614700.

Allele frequency attached by ClinVar (database versions not stated): TOPMed below 0.00001; gnomAD 0.00001 and 0.00002; ExAC 0.00004; 1000 Genomes Project 30x 0.00031; 1000 Genomes Project 0.00040.
gnomAD v4.1: 23 of 1,614,128 alleles (0.0014%); highest among the groups gnomAD compares: East Asian, 0.022%; no homozygotes.

Submissions (2):

Labcorp Genetics (formerly Invitae), Labcorp
Classification: Likely benign for Combined immunodeficiency due to LRBA deficiency. Last evaluated: 2025-10-10. Review status: criteria provided, single submitter. Criteria: Invitae Variant Classification Sherloc (09022015). Collection method: clinical testing. Allele origin: germline.

PreventionGenetics, part of Exact Sciences
Classification: Likely benign for LRBA-related condition. Last evaluated: 2019-08-16. Review status: no assertion criteria provided. Collection method: clinical testing. Allele origin: germline. Not counted in ClinVar's aggregate classification.
Comment: This variant is classified as likely benign based on ACMG/AMP sequence variant interpretation guidelines (Richards et al. 2015 PMID: 25741868, with internal and published modifications).